The following is an entry in ClinVar:

ClinVar aggregate classification (germline): Uncertain significance (1 of 4 stars; one submission).

Submission:

Labcorp Genetics (formerly Invitae), Labcorp
Classification: Uncertain significance. Last evaluated: 2025-09-15. Review status: criteria provided, single submitter. Criteria: Invitae Variant Classification Sherloc (09022015). Collection method: clinical testing. Allele origin: germline.
Comment: This sequence change replaces alanine, which is neutral and non-polar, with threonine, which is neutral and polar, at codon 859 of the ALPK3 protein (p.Ala859Thr). This variant is present in population databases (no rsID available, gnomAD 0.003%). This variant has not been reported in the literature in individuals affected with ALPK3-related conditions. Invitae Evidence Modeling of protein sequence and biophysical properties (such as structural, functional, and spatial information, amino acid conservation, physicochemical variation, residue mobility, and thermodynamic stability) indicates that this missense variant is not expected to disrupt ALPK3 protein function with a negative predictive value of 80%. In summary, the available evidence is currently insufficient to determine the role of this variant in disease. Therefore, it has been classified as a Variant of Uncertain Significance.

NM_020778.5(ALPK3):c.1969G>A (p.Ala657Thr)

Gene: ALPK3 (alpha kinase 3; plus strand). Cytogenetic location: 15q25.3.
Variant type: single nucleotide variant.
Coding change: c.1969G>A on transcript NM_020778.5 (MANE Select); coding-DNA position 1969, G replaced by A.
Protein change: p.Ala657Thr; replaces alanine 657 with threonine.
Molecular consequence: missense variant.
Genome position (GRCh38, 1-based): chr15:84,856,707, G>A. VCF-style: chr15-84856707-G-A. GRCh37 (hg19) VCF-style: chr15-85399938-G-A.
Other names: short protein forms A657T.
Identifiers: ClinVar variation 4800590 (VCV004800590.1).